The following is an entry in ClinVar:

ClinVar aggregate classification (germline): Uncertain significance. Review status: criteria provided, multiple submitters, no conflicts (2 of 4 stars). 2 submissions from 2 submitters: Uncertain significance (2). Last evaluated 2025-08-30.

gnomAD v4.1: 107 of 1,613,952 alleles (0.0066%); highest among the groups gnomAD compares: African/African-American, 0.11%; no homozygotes.

Submissions (2):

Ambry Genetics
Classification: Uncertain significance. Last evaluated: 2025-08-30. Review status: criteria provided, single submitter. Criteria: Ambry Variant Classification Scheme 2023. Collection method: clinical testing. Allele origin: germline.

Women's Health and Genetics/Laboratory Corporation of America, LabCorp
Classification: Uncertain significance. Last evaluated: 2025-02-21. Review status: criteria provided, single submitter. Criteria: LabCorp Variant Classification Summary - May 2015. Collection method: clinical testing. Allele origin: germline.
Comment: Variant summary: TIAM1 c.1940C>T (p.Thr647Met) results in a non-conservative amino acid change in the encoded protein sequence. Four of five in-silico tools predict a damaging effect of the variant on protein function. The variant allele was found at a frequency of 8.4e-05 in 251258 control chromosomes. This frequency is not significantly higher than estimated for a pathogenic variant in TIAM1 causing Neurodevelopmental Disorder With Language Delay And Seizures, allowing no conclusion about variant significance. To our knowledge, no occurrence of c.1940C>T in individuals affected with Neurodevelopmental Disorder With Language Delay And Seizures and no experimental evidence demonstrating its impact on protein function have been reported. No submitters have cited clinical-significance assessments for this variant to ClinVar. Based on the evidence outlined above, the variant was classified as uncertain significance.

NM_001353694.2(TIAM1):c.1940C>T (p.Thr647Met)

Gene: TIAM1 (TIAM Rac1 associated GEF 1; minus strand). Cytogenetic location: 21q22.11.
Variant type: single nucleotide variant.
Coding change: c.1940C>T on transcript NM_001353694.2 (MANE Select); coding-DNA position 1940, C replaced by T.
Protein change: p.Thr647Met; replaces threonine 647 with methionine.
Molecular consequence: missense variant.
Genome position (GRCh38, 1-based): chr21:31,223,461, G>A on the plus strand (C>T on the coding strand, the complement: TIAM1 is on the minus strand). VCF-style: chr21-31223461-G-A. GRCh37 (hg19) VCF-style: chr21-32595777-G-A.
Other names: c.1940C>T, p.Thr647Met (NM_001353686.2, NM_001353687.2, NM_001353688.1 and 6 more transcripts); c.1940C>T (NM_003253.2); short protein forms T647M.
Identifiers: ClinVar variation 3768902 (VCV003768902.2).
Genomic context (GRCh38, chr21:31,223,461, plus strand): 5'-CTCACCAGGGCATGAAACGATGATACCGAAAAGATTCCAAGGCGGCCCATGGCCACTTTC[G>A]TTGGTCGACTTGCAAAAGCGAGAAGCCTTTTGGGGTTTGGCAGCTCCCCACCCTGAAGGC-3'
Protein context (NP_001340623.1, residues 637-657): KRLLAFASRP[Thr647Met]KVAMGRLGIF